The following is an entry in ClinVar:

NM_033026.6(PCLO):c.10402G>C (p.Val3468Leu)

Gene: PCLO (piccolo presynaptic cytomatrix protein; minus strand). Cytogenetic location: 7q21.11.
Variant type: single nucleotide variant.
Coding change: c.10402G>C on transcript NM_033026.6 (MANE Select); coding-DNA position 10402, G replaced by C.
Protein change: p.Val3468Leu; replaces valine 3468 with leucine.
Molecular consequence: missense variant.
Genome position (GRCh38, 1-based): chr7:82,950,186, C>G on the plus strand (G>C on the coding strand, the complement: PCLO is on the minus strand). VCF-style: chr7-82950186-C-G. GRCh37 (hg19) VCF-style: chr7-82579502-C-G.
Other names: c.10402G>C, p.Val3468Leu (NM_014510.3); c.10402G>C (NM_033026.5); short protein forms V3468L.
Identifiers: ClinVar variation 1461901 (VCV001461901.4), dbSNP rs201477088, ClinGen allele CA4319739.

ClinVar aggregate classification (germline): Uncertain significance. Review status: criteria provided, multiple submitters, no conflicts (2 of 4 stars). 2 submissions from 2 submitters: Uncertain significance (2). Last evaluated 2023-09-29.

Conditions:
Inborn genetic diseases. Identifiers: MedGen C0950123, MeSH D030342.

Allele frequency attached by ClinVar (database versions not stated): gnomAD exomes 0.00004 and 0.00007; ExAC 0.00006; gnomAD 0.00007; TOPMed 0.00007; ESP Exome Variant Server 0.00016.
gnomAD v4.1: 110 of 1,611,496 alleles (0.0068%); highest among the groups gnomAD compares: Non-Finnish European, 0.009%; no homozygotes.

Submissions (2):

Ambry Genetics
Classification: Uncertain significance for Inborn genetic diseases. Last evaluated: 2023-09-29. Review status: criteria provided, single submitter. Criteria: Ambry Variant Classification Scheme 2023. Collection method: clinical testing. Allele origin: germline.

Labcorp Genetics (formerly Invitae), Labcorp
Classification: Uncertain significance. Last evaluated: 2022-06-29. Review status: criteria provided, single submitter. Criteria: Invitae Variant Classification Sherloc (09022015). Collection method: clinical testing. Allele origin: germline.
Comment: This sequence change replaces valine, which is neutral and non-polar, with leucine, which is neutral and non-polar, at codon 3468 of the PCLO protein (p.Val3468Leu). This variant is present in population databases (rs201477088, gnomAD 0.006%). This variant has not been reported in the literature in individuals affected with PCLO-related conditions. Algorithms developed to predict the effect of missense changes on protein structure and function are either unavailable or do not agree on the potential impact of this missense change (SIFT: "Deleterious"; PolyPhen-2: "Not Available"; Align-GVGD: "Class C0"). In summary, the available evidence is currently insufficient to determine the role of this variant in disease. Therefore, it has been classified as a Variant of Uncertain Significance.